The following is an entry in ClinVar:

NM_000051.4(ATM):c.1880T>G (p.Phe627Cys)

Gene: ATM (ATM serine/threonine kinase; plus strand). Cytogenetic location: 11q22.3.
Variant type: single nucleotide variant.
Coding change: c.1880T>G on transcript NM_000051.4 (MANE Select); coding-DNA position 1880, T replaced by G.
Protein change: p.Phe627Cys; replaces phenylalanine 627 with cysteine.
Molecular consequence: missense variant.
Genome position (GRCh38, 1-based): chr11:108,252,894, T>G. VCF-style: chr11-108252894-T-G. GRCh37 (hg19) VCF-style: chr11-108123621-T-G.
Other names: c.1880T>G, p.Phe627Cys (NM_001351834.2); short protein forms F627C.
Identifiers: ClinVar variation 232928 (VCV000232928.34), dbSNP rs546087885, ClinGen allele CA6264891.
Genomic context (GRCh38, chr11:108,252,894, plus strand): 5'-TACTGGAGAAAATTCTTGTGAGTCTCACTATGAAAAACTGTAAAGCTGCAATGAATTTTT[T>G]CCAAAGCGTGCCAGAATGGTATGTTATCTAATAATGCTCTTTATCATTTTAAGCTATAGC-3'
Protein context (NP_000042.3, residues 617-637): MKNCKAAMNF[Phe627Cys]QSVPECEHHQ

ClinVar aggregate classification (germline): Uncertain significance. Review status: criteria provided, multiple submitters, no conflicts (2 of 4 stars). 14 submissions from 14 submitters: Uncertain significance (12). 2 of the submissions do not count toward it. Last evaluated 2026-09-14.

Conditions:
Familial cancer of breast. Also called: hereditary breast carcinoma; Hereditary breast cancer; BREAST CANCER, FAMILIAL. Identifiers: Orphanet 227535, MedGen C0346153, MONDO:0016419, OMIM 114480. Disease mechanism: loss of function.
ATM-related cancer predisposition. Also called: ATM-related cancer susceptibility. Identifiers: MedGen CN377759, MONDO:0700270.
Breast and/or ovarian cancer. Identifiers: MedGen CN221562.
Hereditary cancer-predisposing syndrome. Also called: Hereditary Cancer Syndrome; Tumor predisposition; Hereditary neoplastic syndrome; Neoplastic Syndromes, Hereditary. Identifiers: Orphanet 140162, MedGen C0027672, MeSH D009386, MONDO:0015356.
Ataxia-telangiectasia syndrome (AT). Also called: Cerebello-oculocutaneous telangiectasia; Immunodeficiency with ataxia telangiectasia; Ataxia-telangiectasia, complementation group D; AT, COMPLEMENTATION GROUP C; ATAXIA-TELANGIECTASIA, COMPLEMENTATION GROUP A; ATAXIA-TELANGIECTASIA, FRESNO VARIANT. Identifiers: Orphanet 100, MedGen C0004135, MONDO:0008840, OMIM 208900.

Allele frequency attached by ClinVar (database versions not stated): gnomAD 0.00001 and 0.00002; gnomAD exomes 0.00001 and 0.00002; ExAC 0.00002; TOPMed 0.00002; 1000 Genomes Project 0.00020; 1000 Genomes Project 30x 0.00031.
gnomAD v4.1: 24 of 1,612,246 alleles (0.0015%); highest among the groups gnomAD compares: Non-Finnish European, 0.002%; no homozygotes.

Submissions (14):

Hema, HEMA – Genetic and Molecular Diagnostic Laboratory
Classification: Uncertain significance for ATM-related cancer predisposition. Last evaluated: 2026-09-14. Review status: criteria provided, single submitter. Criteria: HEMA Variant Classification Assertion Criteria. Collection method: clinical testing. Allele origin: germline.
Comment: The c.1880T>G p.(Phe627Cys) variant is a transversion from thymine to guanine, resulting in the substitution of phenylalanine 627 with cysteine. The frequency of the variant in gnomAD does not allow for the application of frequency criteria, and the REVEL meta-predictor score is not conclusive. Therefore, due to the lack of additional information, this variant is classified as a variant of uncertain significance.

Labcorp Genetics (formerly Invitae), Labcorp
Classification: Uncertain significance for Ataxia-telangiectasia syndrome. Last evaluated: 2026-01-11. Review status: criteria provided, single submitter. Criteria: Invitae Variant Classification Sherloc (09022015). Collection method: clinical testing. Allele origin: germline.
Comment: This sequence change replaces phenylalanine, which is neutral and non-polar, with cysteine, which is neutral and slightly polar, at codon 627 of the ATM protein (p.Phe627Cys). This variant is present in population databases (rs546087885, gnomAD 0.003%). This missense change has been observed in individual(s) with breast cancer (PMID: 11996792, 12935922, 19781682). ClinVar contains an entry for this variant (Variation ID: 232928). Invitae Evidence Modeling of protein sequence and biophysical properties (such as structural, functional, and spatial information, amino acid conservation, physicochemical variation, residue mobility, and thermodynamic stability) indicates that this missense variant is not expected to disrupt ATM protein function with a negative predictive value of 95%. In summary, the available evidence is currently insufficient to determine the role of this variant in disease. Therefore, it has been classified as a Variant of Uncertain Significance.

Center for Genomic Medicine, Rigshospitalet, Copenhagen University Hospital
Classification: Uncertain significance. Last evaluated: 2025-12-29. Review status: criteria provided, single submitter. Criteria: ACMG Guidelines, 2015. Collection method: clinical testing. Allele origin: germline.

Ambry Genetics
Classification: Uncertain significance for Hereditary cancer-predisposing syndrome. Last evaluated: 2025-06-11. Review status: criteria provided, single submitter. Criteria: Ambry Variant Classification Scheme 2023. Collection method: clinical testing. Allele origin: germline.
Comment: The p.F627C variant (also known as c.1880T>G), located in coding exon 11 of the ATM gene, results from a T to G substitution at nucleotide position 1880. The phenylalanine at codon 627 is replaced by cysteine, an amino acid with highly dissimilar properties. This alteration has been detected in 1/4112 breast cancer patients and 0/2399 healthy control individuals across numerous studies (Tavtigian S et al. Am J Hum Genet. 2009 Oct;85(4):427-46). This alteration has been reported in the germline of 2 of 8920 ethnically matched normal population control subjects but was not seen in 516 samples from a study of chronic lymphocytic leukemia patients of European descent (Tiao G et al. Leukemia, 2017 10;31:2244-2247). This variant was also identified in a patient with breast cancer (Bernstein JL et al. J Natl Cancer Inst, 2010 Apr;102:475-83). This amino acid position is well conserved in available vertebrate species. In addition, the in silico prediction for this alteration is inconclusive. Since supporting evidence is limited at this time, the clinical significance of this alteration remains unclear.

Blueprint Genetics
Classification: Uncertain significance. Last evaluated: 2024-10-22. Review status: criteria provided, single submitter. Criteria: ACMG Guidelines, 2015. Collection method: clinical testing. Allele origin: germline.

ARUP Laboratories, Molecular Genetics and Genomics, ARUP Laboratories
Classification: Uncertain significance. Last evaluated: 2024-02-19. Review status: criteria provided, single submitter. Criteria: ARUP Molecular Germline Variant Investigation Process 2024. Collection method: clinical testing. Allele origin: germline.
Comment: The ATM c.1880T>G; p.Phe627Cys variant (rs546087885), is reported in the literature in individuals affected with breast cancer (Bernstein 2010, Sommer 2002, Tavtigian 2009). This variant is also reported in ClinVar (Variation ID: 232928). It is only found on four alleles in the Genome Aggregation Database (v2.1.1), indicating it is not a common polymorphism. Computational analyses are uncertain whether this variant is neutral or deleterious (REVEL: 0.338). Due to limited information, the clinical significance of this variant is uncertain at this time. References: Bernstein JL et al. Radiation exposure, the ATM Gene, and contralateral breast cancer in the women's environmental cancer and radiation epidemiology study. J Natl Cancer Inst. 2010 Apr 7;102(7):475-83. PMID: 20305132. Sommer SS et al. Elevated frequency of ATM gene missense mutations in breast cancer relative to ethnically matched controls. Cancer Genet Cytogenet. 2002 Apr 1;134(1):25-32. PMID: 11996792. Tavtigian SV et al. Rare, evolutionarily unlikely missense substitutions in ATM confer increased risk of breast cancer. Am J Hum Genet. 2009 Oct;85(4):427-46. PMID: 19781682.

Color Diagnostics, LLC DBA Color Health
Classification: Uncertain significance for Hereditary cancer-predisposing syndrome. Last evaluated: 2024-01-29. Review status: criteria provided, single submitter. Criteria: ACMG Guidelines, 2015. Collection method: clinical testing. Allele origin: germline.
Comment: This missense variant replaces phenylalanine with cysteine at codon 627 of the ATM protein. Computational prediction suggests that this variant may not impact protein structure and function. To our knowledge, functional studies have not been reported for this variant. This variant has been reported in individuals affected with breast cancer (PMID: 11996792, 12935922, 19781682). In a large international case-control study, this variant was reported in 7/60466 breast cancer cases and 1/53461 controls (OR=6.19, 95%CI 0.761 to 50.312, p-value=0.074; PMID: 33471991). This variant has been identified in 4/282200 chromosomes in the general population by the Genome Aggregation Database (gnomAD). The available evidence is insufficient to determine the role of this variant in disease conclusively. Therefore, this variant is classified as a Variant of Uncertain Significance.

Baylor Genetics
Classification: Uncertain significance for Familial cancer of breast. Last evaluated: 2023-12-12. Review status: criteria provided, single submitter. Criteria: ACMG Guidelines, 2015. Collection method: clinical testing. Allele origin: unknown.

GeneDx
Classification: Uncertain significance. Last evaluated: 2021-12-15. Review status: criteria provided, single submitter. Criteria: GeneDx Variant Classification Process June 2021. Collection method: clinical testing. Allele origin: germline. Affected: yes.
Comment: Not observed at a significant frequency in large population cohorts (Lek 2016); In silico analysis supports that this missense variant has a deleterious effect on protein structure/function; This variant is associated with the following publications: (PMID: 11996792, 19781682, 12935922, 28779002)

CHEO Genetics Diagnostic Laboratory, Children's Hospital of Eastern Ontario
Classification: Uncertain significance for Breast and/or ovarian cancer. Last evaluated: 2020-06-15. Review status: criteria provided, single submitter. Criteria: ACMG Guidelines, 2015. Collection method: clinical testing. Allele origin: germline.

Women's Health and Genetics/Laboratory Corporation of America, LabCorp
Classification: Uncertain significance. Last evaluated: 2019-10-24. Review status: criteria provided, single submitter. Criteria: LabCorp Variant Classification Summary - May 2015. Collection method: clinical testing. Allele origin: germline.
Comment: Variant summary: ATM c.1880T>G (p.Phe627Cys) results in a non-conservative amino acid change in the encoded protein sequence. Three of five in-silico tools predict a damaging effect of the variant on protein function. The variant allele was found at a frequency of 1.2e-05 in 250808 control chromosomes (gnomAD). The available data on variant occurrences in the general population are insufficient to allow any conclusion about variant significance. c.1880T>G has been reported in the literature in individuals affected with Breast Cancer (Bernstein_2010, Sommer_2003, Tavtigian_2009). These reports do not provide unequivocal conclusions about association of the variant with Breast Cancer. To our knowledge, no experimental evidence demonstrating an impact on protein function has been reported. Six ClinVar submissions (evaluation after 2014) cite the variant as uncertain significance. Based on the evidence outlined above, the variant was classified as uncertain significance.

PreventionGenetics, part of Exact Sciences
Classification: Uncertain significance. Last evaluated: 2017-08-11. Review status: criteria provided, single submitter. Criteria: ACMG Guidelines, 2015. Collection method: clinical testing. Allele origin: germline.

Natera, Inc.
Classification: Uncertain significance for Ataxia-telangiectasia. Last evaluated: 2020-09-16. Review status: no assertion criteria provided. Collection method: clinical testing. Allele origin: germline. Not counted in ClinVar's aggregate classification.

Counsyl
Classification: Uncertain significance for Ataxia-telangiectasia syndrome. Last evaluated: 2017-10-02. Review status: no assertion criteria provided. Collection method: clinical testing. Allele origin: unknown. Not counted in ClinVar's aggregate classification.

Literature cited by the submitters: PubMed 11996792 (cited by 4 submitters); PubMed 12935922 (cited by 4 submitters); PubMed 19781682 (cited by 5 submitters); PubMed 20305132 (cited by Ambry Genetics and Women's Health and Genetics/Laboratory Corporation of America, LabCorp); PubMed 28652578 (cited by Ambry Genetics and Women's Health and Genetics/Laboratory Corporation of America, LabCorp).